The following is an entry in ClinVar:

ClinVar aggregate classification (germline): Uncertain significance (1 of 4 stars; one submission).

Allele frequency attached by ClinVar (database versions not stated): gnomAD exomes 0.00001; gnomAD 0.00003; TOPMed 0.00006.
gnomAD v4.1: 9 of 1,614,072 alleles (0.00056%); highest among the groups gnomAD compares: Admixed American, 0.015%; no homozygotes.

Submission:

Labcorp Genetics (formerly Invitae), Labcorp
Classification: Uncertain significance. Last evaluated: 2022-05-27. Review status: criteria provided, single submitter. Criteria: Invitae Variant Classification Sherloc (09022015). Collection method: clinical testing. Allele origin: germline.
Comment: Algorithms developed to predict the effect of missense changes on protein structure and function are either unavailable or do not agree on the potential impact of this missense change (SIFT: "Deleterious"; PolyPhen-2: "Probably Damaging"; Align-GVGD: "Class C0"). In summary, the available evidence is currently insufficient to determine the role of this variant in disease. Therefore, it has been classified as a Variant of Uncertain Significance. This missense change has been observed in individual(s) with persistent cholestasis (Invitae). This sequence change replaces aspartic acid, which is acidic and polar, with tyrosine, which is neutral and polar, at codon 492 of the MYO5B protein (p.Asp492Tyr). This variant is present in population databases (no rsID available, gnomAD 0.01%).

NM_001080467.3(MYO5B):c.1474G>T (p.Asp492Tyr)

Gene: MYO5B (myosin VB; minus strand). Cytogenetic location: 18q21.1.
Variant type: single nucleotide variant.
Coding change: c.1474G>T on transcript NM_001080467.3 (MANE Select); coding-DNA position 1474, G replaced by T.
Protein change: p.Asp492Tyr; replaces aspartic acid 492 with tyrosine.
Molecular consequence: missense variant.
Genome position (GRCh38, 1-based): chr18:49,962,337, C>A on the plus strand (G>T on the coding strand, the complement: MYO5B is on the minus strand). VCF-style: chr18-49962337-C-A. GRCh37 (hg19) VCF-style: chr18-47488707-C-A.
Other names: short protein forms D492Y.
Identifiers: ClinVar variation 1999430 (VCV001999430.4), dbSNP rs1238420912, ClinGen allele CA402430001.
Genomic context (GRCh38, chr18:49,962,337, plus strand): 5'-CATCCAACAGGTCCAAGATACCCAGCTTGGCTTCAATGAGGTCGATACAAGGTTGGTTAT[C>A]ATAAAAATCAATCAGGGTCCAAGGGATCTGTTCCTTCATGTATTCTTCTTGCTCCAGTTT-3'
Protein context (NP_001073936.1, residues 482-502): QIPWTLIDFY[Asp492Tyr]NQPCIDLIEA